The following is an entry in ClinVar:

NM_001999.4(FBN2):c.5166G>A (p.Glu1722=)

Gene: FBN2 (fibrillin 2; minus strand). Cytogenetic location: 5q23.3.
Variant type: single nucleotide variant.
Coding change: c.5166G>A on transcript NM_001999.4 (MANE Select); coding-DNA position 5166, G replaced by A.
Protein change: p.Glu1722=; no amino-acid change (glutamic acid 1722 retained).
Molecular consequence: synonymous variant.
Genome position (GRCh38, 1-based): chr5:128,310,017, C>T on the plus strand (G>A on the coding strand, the complement: FBN2 is on the minus strand). VCF-style: chr5-128310017-C-T. GRCh37 (hg19) VCF-style: chr5-127645709-C-T.
Identifiers: ClinVar variation 4823071 (VCV004823071.4).

ClinVar aggregate classification (germline): Likely benign (1 of 4 stars; one submission).

gnomAD v4.1: 2 of 1,613,750 alleles (0.00012%); highest among the groups gnomAD compares: East Asian, 0.0022%; no homozygotes.

Submission:

CeGaT Center for Human Genetics Tuebingen
Classification: Likely benign. Last evaluated: 2026-01-01. Review status: criteria provided, single submitter. Criteria: CeGaT Center For Human Genetics Tuebingen Variant Classification Criteria Version 2. Collection method: clinical testing. Allele origin: germline. Affected: yes. Observed: 1 variant allele.
Comment: FBN2: BP4, BP7